The following is an entry in ClinVar:

NM_006393.3(NEBL):c.2704G>A (p.Glu902Lys)

Gene: NEBL (nebulette; minus strand). Cytogenetic location: 10p12.31.
Variant type: single nucleotide variant.
Coding change: c.2704G>A on transcript NM_006393.3 (MANE Select); coding-DNA position 2704, G replaced by A.
Protein change: p.Glu902Lys; replaces glutamic acid 902 with lysine.
Molecular consequence: missense variant. On other transcripts: intron variant (9).
Genome position (GRCh38, 1-based): chr10:20,808,567, C>T on the plus strand (G>A on the coding strand, the complement: NEBL is on the minus strand). VCF-style: chr10-20808567-C-T. GRCh37 (hg19) VCF-style: chr10-21097496-C-T.
Other names: c.421+4202G>A (NM_001377326.1, NM_001377327.1, NM_001377328.1); c.529+4202G>A (NM_213569.2, NM_001173484.2); c.622+1239G>A (NM_001377322.1); c.472+4202G>A (NM_001377324.1); c.463+4202G>A (NM_001377325.1); c.481+4202G>A (NM_001377323.1); short protein forms E902K.
Identifiers: ClinVar variation 393248 (VCV000393248.11), dbSNP rs761425280, ClinGen allele CA5432356.

ClinVar aggregate classification (germline): Uncertain significance. Review status: criteria provided, multiple submitters, no conflicts (2 of 4 stars). 2 submissions from 2 submitters: Uncertain significance (2). Last evaluated 2024-05-29.

Conditions:
Primary dilated cardiomyopathy (DCM). Also called: Dilated Cardiomyopathy. Identifiers: Orphanet 217604, MedGen C0007193, MeSH D002311, MONDO:0005021, HP:0001644. Inheritance: Various modes of inheritance.

Allele frequency attached by ClinVar (database versions not stated): TOPMed below 0.00001; gnomAD 0.00001; gnomAD exomes 0.00001; ExAC 0.00002.
gnomAD v4.1: 10 of 1,613,790 alleles (0.00062%); highest among the groups gnomAD compares: East Asian, 0.0045%; no homozygotes.

Submissions (2):

GeneDx
Classification: Uncertain significance. Last evaluated: 2024-05-29. Review status: criteria provided, single submitter. Criteria: GeneDx Variant Classification Process June 2021. Collection method: clinical testing. Allele origin: germline. Affected: yes.
Comment: In silico analysis supports that this missense variant has a deleterious effect on protein structure/function; Has not been previously published as pathogenic or benign to our knowledge; Variants in candidate genes are classified as variants of uncertain significance in accordance with ACMG guidelines (PMID: 25741868)

Labcorp Genetics (formerly Invitae), Labcorp
Classification: Uncertain significance for Primary dilated cardiomyopathy. Last evaluated: 2021-07-26. Review status: criteria provided, single submitter. Criteria: Invitae Variant Classification Sherloc (09022015). Collection method: clinical testing. Allele origin: germline.
Comment: In summary, the available evidence is currently insufficient to determine the role of this variant in disease. Therefore, it has been classified as a Variant of Uncertain Significance. Algorithms developed to predict the effect of missense changes on protein structure and function (SIFT, PolyPhen-2, Align-GVGD) all suggest that this variant is likely to be tolerated. ClinVar contains an entry for this variant (Variation ID: 393248). This variant has not been reported in the literature in individuals affected with NEBL-related conditions. This variant is present in population databases (rs761425280, ExAC 0.006%). This sequence change replaces glutamic acid with lysine at codon 902 of the NEBL protein (p.Glu902Lys). The glutamic acid residue is moderately conserved and there is a small physicochemical difference between glutamic acid and lysine.